The following is an entry in ClinVar:

NM_003647.3(DGKE):c.1440T>C (p.Val480=)

Gene: DGKE (diacylglycerol kinase epsilon; plus strand). Cytogenetic location: 17q22.
Variant type: single nucleotide variant.
Coding change: c.1440T>C on transcript NM_003647.3 (MANE Select); coding-DNA position 1440, T replaced by C.
Protein change: p.Val480=; no amino-acid change (valine 480 retained).
Molecular consequence: synonymous variant.
Genome position (GRCh38, 1-based): chr17:56,862,167, T>C. VCF-style: chr17-56862167-T-C. GRCh37 (hg19) VCF-style: chr17-54939528-T-C.
Other names: p.Val480=.
Identifiers: ClinVar variation 775386 (VCV000775386.17), dbSNP rs2230873, ClinGen allele CA8663832.

ClinVar aggregate classification (germline): Benign/Likely benign. Review status: criteria provided, multiple submitters, no conflicts (2 of 4 stars). 6 submissions from 6 submitters: Benign (4); Likely benign (2). Last evaluated 2026-08-01.

Conditions:
Immunoglobulin-mediated membranoproliferative glomerulonephritis. Also called: Nephrotic syndrome, type 7; NEPHROTIC SYNDROME, TYPE 7, WITH MEMBRANOPROLIFERATIVE GLOMERULONEPHRITIS. Identifiers: Orphanet 329903, MedGen C3554330, MONDO:0014005, OMIM 615008.

Allele frequency attached by ClinVar (database versions not stated): ExAC 0.00112; gnomAD 0.00336 and 0.00354; TOPMed 0.00355; ESP Exome Variant Server 0.00454; 1000 Genomes Project 0.00559; 1000 Genomes Project 30x 0.00578; gnomAD exomes 0.00032 and 0.00085.
gnomAD v4.1: 1,022 of 1,614,186 alleles (0.063%); highest among the groups gnomAD compares: African/African-American, 1.2%; 12 homozygotes.

Submissions (6):

CeGaT Center for Human Genetics Tuebingen
Classification: Likely benign. Last evaluated: 2026-08-01. Review status: criteria provided, single submitter. Criteria: CeGaT Center For Human Genetics Tuebingen Variant Classification Criteria Version 2. Collection method: clinical testing. Allele origin: germline. Affected: yes. Observed: 1 variant allele.
Comment: DGKE: BP4, BP7, BS1

Labcorp Genetics (formerly Invitae), Labcorp
Classification: Benign. Last evaluated: 2026-01-25. Review status: criteria provided, single submitter. Criteria: Invitae Variant Classification Sherloc (09022015). Collection method: clinical testing. Allele origin: germline.

Blueprint Genetics
Classification: Likely benign. Last evaluated: 2024-11-05. Review status: criteria provided, single submitter. Criteria: ACMG Guidelines, 2015. Collection method: clinical testing. Allele origin: germline.

Mayo Clinic Laboratories, Mayo Clinic
Classification: Benign. Last evaluated: 2022-11-23. Review status: criteria provided, single submitter. Criteria: ACMG Guidelines, 2015. Collection method: clinical testing. Allele origin: germline. Observed: 18 variant alleles.
Comment: BS1, BP4, BP7

Fulgent Genetics
Classification: Benign for Immunoglobulin-mediated membranoproliferative glomerulonephritis. Last evaluated: 2021-10-02. Review status: criteria provided, single submitter. Criteria: ACMG Guidelines, 2015. Collection method: clinical testing. Allele origin: unknown.

Genetic Services Laboratory, University of Chicago
Classification: Benign. Last evaluated: 2017-09-20. Review status: criteria provided, single submitter. Criteria: ACMG Guidelines, 2015. Collection method: clinical testing. Allele origin: germline. Affected: no.